The following is an entry in ClinVar:

NM_001145809.2(MYH14):c.6108_6111del (p.Gln2036fs)

Gene: MYH14 (myosin heavy chain 14; plus strand). Cytogenetic location: 19q13.33.
Variant type: Deletion.
Coding change: c.6108_6111del on transcript NM_001145809.2 (MANE Select); coding-DNA positions 6108 to 6111, 4 bases deleted (GTGA; older notation c.6108_6111delGTGA).
Protein change: p.Gln2036fs; shifts the reading frame from glutamine 2036.
Molecular consequence: frameshift variant.
Genome position (GRCh38, 1-based): chr19:50,309,787-50,309,790, GTGA deleted; deleting any 4 consecutive bases within chr19:50,309,786-50,309,790 gives the same sequence; the c. name uses the placement nearest the transcript's 3' end. VCF-style (leftmost placement, unchanged base first): chr19-50309785-CAGTG-C. GRCh37 (hg19) VCF-style: chr19-50813042-CAGTG-C.
Other names: c.6009_6012del, p.Gln2003fs (NM_001077186.2); c.5985_5988del, p.Gln1995fs (NM_024729.4); short protein forms Q1995fs, Q2003fs, Q2036fs.
Identifiers: ClinVar variation 932016 (VCV000932016.3), dbSNP rs2036795216, ClinGen allele CA1139666540.
Genomic context (GRCh38, chr19:50,309,785, plus strand): 5'-GAAGCACAGCCTGGGTCTGGGCCATCCCCGGAGCCTGAGGGGTCCCCACCAGCCCACCCC[CAGTG>C]ACCCTACCCTGTCCCCAGATGCACTAACAGATGGGGCCCAGCCCCCTTCCTCCCTGGACC-3'

ClinVar aggregate classification (germline): Uncertain significance (1 of 4 stars; one submission).

Conditions:
Peripheral neuropathy-myopathy-hoarseness-hearing loss syndrome. Identifiers: Orphanet 397744, MedGen C3280556, MONDO:0013711, OMIM 614369.

Submission:

Centre for Mendelian Genomics, University Medical Centre Ljubljana
Classification: Uncertain significance for Peripheral neuropathy-myopathy-hoarseness-hearing loss syndrome. Last evaluated: 2019-03-24. Review status: criteria provided, single submitter. Criteria: ACMG Guidelines, 2015. Collection method: clinical testing. Allele origin: unknown. Affected: yes.
Comment: This variant was classified as: Uncertain significance. The following ACMG criteria were applied in classifying this variant: PM2.